The following is an entry in ClinVar:

NM_002227.4(JAK1):c.2636G>T (p.Arg879Leu)

Gene: JAK1 (Janus kinase 1; minus strand). Cytogenetic location: 1p31.3.
Variant type: single nucleotide variant.
Coding change: c.2636G>T on transcript NM_002227.4 (MANE Select); coding-DNA position 2636, G replaced by T.
Protein change: p.Arg879Leu; replaces arginine 879 with leucine.
Molecular consequence: missense variant.
Genome position (GRCh38, 1-based): chr1:64,841,258, C>A on the plus strand (G>T on the coding strand, the complement: JAK1 is on the minus strand). VCF-style: chr1-64841258-C-A. GRCh37 (hg19) VCF-style: chr1-65306941-C-A.
Other names: c.2636G>T, p.Arg879Leu (NM_001320923.2, NM_001321852.2, NM_001321853.2 and 3 more transcripts); c.2633G>T, p.Arg878Leu (NM_001321857.2); short protein forms R878L, R879L.
Identifiers: ClinVar variation 4056507 (VCV004056507.1).

ClinVar aggregate classification (germline): Uncertain significance (1 of 4 stars; one submission).

Conditions:
Autoinflammation, immune dysregulation, and eosinophilia. Also called: ATOPIC DERMATITIS, ENTERITIS, COLITIS, AND EOSINOPHILIA. Identifiers: MedGen C5436572, MONDO:0033558, OMIM 618999.

Submission:

Laboratorio de Genetica e Diagnostico Molecular, Hospital Israelita Albert Einstein
Classification: Uncertain significance for Autoinflammation, immune dysregulation, and eosinophilia. Last evaluated: 2023-07-21. Review status: criteria provided, single submitter. Criteria: ACMG Guidelines, 2015. Collection method: clinical testing. Allele origin: germline. Affected: yes.
Comment: ACMG classification criteria: PM2 moderate, PP2 supporting, PP3 supporting